The following is an entry in ClinVar:

ClinVar aggregate classification (germline): Benign. Review status: criteria provided, single submitter (1 of 4 stars). 2 submissions from 2 submitters: Benign (1). 1 of the submissions does not count toward it. Last evaluated 2024-09-23.

Conditions:
NF1-related disorder. Also called: NF1-related condition. Identifiers: MedGen CN379171.

Allele frequency attached by ClinVar (database versions not stated): gnomAD 0.00009; TOPMed 0.00012; gnomAD exomes 0.00015; ESP Exome Variant Server 0.00023; ExAC 0.00030.

Submissions (2):

Blueprint Genetics
Classification: Benign. Last evaluated: 2024-09-23. Review status: criteria provided, single submitter. Criteria: ACMG Guidelines, 2015. Collection method: clinical testing. Allele origin: germline.

PreventionGenetics, part of Exact Sciences
Classification: Likely benign for NF1-related condition. Last evaluated: 2024-01-08. Review status: no assertion criteria provided. Collection method: clinical testing. Allele origin: germline. Not counted in ClinVar's aggregate classification.
Comment: This variant is classified as likely benign based on ACMG/AMP sequence variant interpretation guidelines (Richards et al. 2015 PMID: 25741868, with internal and published modifications).

NM_001042492.3(NF1):c.2410-27T>C

Gene: NF1 (neurofibromin 1; plus strand). Cytogenetic location: 17q11.2.
Variant type: single nucleotide variant.
Coding change: c.2410-27T>C on transcript NM_001042492.3 (MANE Select); 27 bases into the intron before coding-DNA position 2410, T replaced by C.
Molecular consequence: intron variant.
Genome position (GRCh38, 1-based): chr17:31,228,998, T>C. VCF-style: chr17-31228998-T-C. GRCh37 (hg19) VCF-style: chr17-29556016-T-C.
Other names: c.2410-27T>C (NM_000267.4).
Identifiers: ClinVar variation 3036253 (VCV003036253.3), dbSNP rs375016173, ClinGen allele CA8485985.